The following is an entry in ClinVar:

NM_004974.4(KCNA2):c.1307C>T (p.Pro436Leu)

Gene: KCNA2 (potassium voltage-gated channel subfamily A member 2; minus strand). Cytogenetic location: 1p13.3.
Variant type: single nucleotide variant.
Coding change: c.1307C>T on transcript NM_004974.4 (MANE Select); coding-DNA position 1307, C replaced by T.
Protein change: p.Pro436Leu; replaces proline 436 with leucine.
Molecular consequence: missense variant. On other transcripts: intron variant (1).
Genome position (GRCh38, 1-based): chr1:110,603,476, G>A on the plus strand (C>T on the coding strand, the complement: KCNA2 is on the minus strand). VCF-style: chr1-110603476-G-A. GRCh37 (hg19) VCF-style: chr1-111146098-G-A.
Other names: c.894+413C>T (NM_001204269.2); short protein forms P436L.
Identifiers: ClinVar variation 3653300 (VCV003653300.2).

ClinVar aggregate classification (germline): Uncertain significance (1 of 4 stars; one submission).

Conditions:
Developmental and epileptic encephalopathy, 32 (DEE32). Also called: Epileptic encephalopathy, early infantile, 32. Identifiers: Orphanet 442835, MedGen C4225350, MONDO:0014607, OMIM 616366.

Submission:

Labcorp Genetics (formerly Invitae), Labcorp
Classification: Uncertain significance for Developmental and epileptic encephalopathy, 32. Last evaluated: 2024-05-14. Review status: criteria provided, single submitter. Criteria: Invitae Variant Classification Sherloc (09022015). Collection method: clinical testing. Allele origin: germline.
Comment: This sequence change replaces proline, which is neutral and non-polar, with leucine, which is neutral and non-polar, at codon 436 of the KCNA2 protein (p.Pro436Leu). This variant is not present in population databases (gnomAD no frequency). This variant has not been reported in the literature in individuals affected with KCNA2-related conditions. Advanced modeling of protein sequence and biophysical properties (such as structural, functional, and spatial information, amino acid conservation, physicochemical variation, residue mobility, and thermodynamic stability) performed at Invitae indicates that this missense variant is not expected to disrupt KCNA2 protein function with a negative predictive value of 80%. In summary, the available evidence is currently insufficient to determine the role of this variant in disease. Therefore, it has been classified as a Variant of Uncertain Significance.